The following is an entry in ClinVar:

NM_006270.5(RRAS):c.535G>A (p.Val179Met)

Gene: RRAS (RAS related; minus strand). Cytogenetic location: 19q13.33.
Variant type: single nucleotide variant.
Coding change: c.535G>A on transcript NM_006270.5 (MANE Select); coding-DNA position 535, G replaced by A.
Protein change: p.Val179Met; replaces valine 179 with methionine.
Molecular consequence: missense variant.
Genome position (GRCh38, 1-based): chr19:49,635,771, C>T on the plus strand (G>A on the coding strand, the complement: RRAS is on the minus strand). VCF-style: chr19-49635771-C-T. GRCh37 (hg19) VCF-style: chr19-50139028-C-T.
Other names: short protein forms V179M.
Identifiers: ClinVar variation 1508481 (VCV001508481.6), dbSNP rs769754956, ClinGen allele CA9578971.
Genomic context (GRCh38, chr19:49,635,771, plus strand): 5'-GACAGGAAGGGGACTTGGCTCACCGGACAGCCCGCACCAGCTGCTCAAAAGCCTCGTCCA[C>T]GTTGAGACGCAGTTTGGCCGAGGCCTCAAAGTAGGCCACGTGGTGGGAGGCGCCGAAGGC-3'
Protein context (NP_006261.1, residues 169-189): FEASAKLRLN[Val179Met]DEAFEQLVRA

ClinVar aggregate classification (germline): Uncertain significance (1 of 4 stars; one submission).

Conditions:
Noonan syndrome (NS). Also called: Noonan's syndrome. Identifiers: Orphanet 648, MedGen C0028326, MeSH D009634, MONDO:0018997. Disease mechanism: gain of function.

Allele frequency attached by ClinVar (database versions not stated): ExAC 0.00001; gnomAD exomes 0.00001 and 0.00002.

Submission:

Labcorp Genetics (formerly Invitae), Labcorp
Classification: Uncertain significance for Noonan syndrome. Last evaluated: 2023-08-17. Review status: criteria provided, single submitter. Criteria: Invitae Variant Classification Sherloc (09022015). Collection method: clinical testing. Allele origin: germline.
Comment: This sequence change replaces valine, which is neutral and non-polar, with methionine, which is neutral and non-polar, at codon 179 of the RRAS protein (p.Val179Met). This variant is present in population databases (rs769754956, gnomAD 0.0009%). This variant has not been reported in the literature in individuals affected with RRAS-related conditions. ClinVar contains an entry for this variant (Variation ID: 1508481). An algorithm developed to predict the effect of missense changes on protein structure and function (PolyPhen-2) suggests that this variant is likely to be disruptive. In summary, the available evidence is currently insufficient to determine the role of this variant in disease. Therefore, it has been classified as a Variant of Uncertain Significance.